The following is an entry in ClinVar:

ClinVar aggregate classification (germline): Uncertain significance (1 of 4 stars; one submission).

Conditions:
Acromesomelic dysplasia 1, Maroteaux type (AMD1). Also called: ST. HELENA DYSPLASIA; ACROMESOMELIC DYSPLASIA 1. Identifiers: Orphanet 40, MedGen C1864356, MONDO:0011275, OMIM 602875.
Tall stature-scoliosis-macrodactyly of the great toes syndrome. Also called: Epiphyseal chondrodysplasia, miura type. Identifiers: Orphanet 329191, MedGen C4014690, MONDO:0014401, OMIM 615923.

Allele frequency attached by ClinVar (database versions not stated): TOPMed below 0.00001.
gnomAD v4.1: 2 of 1,614,222 alleles (0.00012%); highest among the groups gnomAD compares: Non-Finnish European, 0.00017%; no homozygotes.

Submission:

Labcorp Genetics (formerly Invitae), Labcorp
Classification: Uncertain significance for Tall stature-scoliosis-macrodactyly of the great toes syndrome; Acromesomelic dysplasia 1, Maroteaux type. Last evaluated: 2024-02-26. Review status: criteria provided, single submitter. Criteria: Invitae Variant Classification Sherloc (09022015). Collection method: clinical testing. Allele origin: germline.
Comment: This sequence change replaces methionine, which is neutral and non-polar, with valine, which is neutral and non-polar, at codon 765 of the NPR2 protein (p.Met765Val). This variant is not present in population databases (gnomAD no frequency). This variant has not been reported in the literature in individuals affected with NPR2-related conditions. ClinVar contains an entry for this variant (Variation ID: 1512017). Advanced modeling of protein sequence and biophysical properties (such as structural, functional, and spatial information, amino acid conservation, physicochemical variation, residue mobility, and thermodynamic stability) performed at Invitae indicates that this missense variant is not expected to disrupt NPR2 protein function with a negative predictive value of 80%. In summary, the available evidence is currently insufficient to determine the role of this variant in disease. Therefore, it has been classified as a Variant of Uncertain Significance.

NM_003995.4(NPR2):c.2293A>G (p.Met765Val)

Gene: NPR2 (natriuretic peptide receptor 2; plus strand). Cytogenetic location: 9p13.3.
Variant type: single nucleotide variant.
Coding change: c.2293A>G on transcript NM_003995.4 (MANE Select); coding-DNA position 2293, A replaced by G.
Protein change: p.Met765Val; replaces methionine 765 with valine.
Molecular consequence: missense variant.
Genome position (GRCh38, 1-based): chr9:35,806,154, A>G. VCF-style: chr9-35806154-A-G. GRCh37 (hg19) VCF-style: chr9-35806151-A-G.
Other names: c.2302A>G, p.Met768Val (NM_001378923.1); short protein forms M768V, M765V.
Identifiers: ClinVar variation 1512017 (VCV001512017.8), dbSNP rs1828369816, ClinGen allele CA373379090.